The following is an entry in ClinVar:

NM_005609.4(PYGM):c.225C>A (p.Tyr75Ter)

Gene: PYGM (glycogen phosphorylase, muscle associated; minus strand). Cytogenetic location: 11q13.1.
Variant type: single nucleotide variant.
Coding change: c.225C>A on transcript NM_005609.4 (MANE Select); coding-DNA position 225, C replaced by A.
Protein change: p.Tyr75Ter; replaces tyrosine 75 with a stop codon.
Molecular consequence: nonsense.
Genome position (GRCh38, 1-based): chr11:64,759,674, G>T on the plus strand (C>A on the coding strand, the complement: PYGM is on the minus strand). VCF-style: chr11-64759674-G-T. GRCh37 (hg19) VCF-style: chr11-64527146-G-T.
Other names: c.225C>A (NM_005609.3); c.225C>A, p.Tyr75Ter (NM_001164716.1); short protein forms Y75*.
Identifiers: ClinVar variation 1070313 (VCV001070313.14), dbSNP rs773361937, ClinGen allele CA6080339.

ClinVar aggregate classification (germline): Pathogenic. Review status: criteria provided, multiple submitters, no conflicts (2 of 4 stars). 3 submissions from 3 submitters: Pathogenic (3). Last evaluated 2024-07-24.

Conditions:
Glycogen storage disease, type V (GSD5). Also called: MCARDLE DISEASE; MUSCLE GLYCOGEN PHOSPHORYLASE DEFICIENCY; MYOPHOSPHORYLASE DEFICIENCY; PYGM DEFICIENCY; McArdle type glycogen storage disease. Identifiers: Orphanet 368, MedGen C0017924, MONDO:0009293, OMIM 232600.

Allele frequency attached by ClinVar (database versions not stated): gnomAD exomes below 0.00001; TOPMed below 0.00001; ExAC 0.00001.
gnomAD v4.1: 2 of 1,613,964 alleles (0.00012%); highest among the groups gnomAD compares: Non-Finnish European, 0.00017%; no homozygotes.

Submissions (3):

Natera, Inc.
Classification: Pathogenic for Glycogen storage disease V. Last evaluated: 2024-07-24. Review status: criteria provided, single submitter. Criteria: Natera Variant Classification Schema (03/2026). Collection method: clinical testing. Allele origin: germline.
Comment: The c.225C>A variant in PYGM is a nonsense variant predicted to introduce a stop codon at amino acid 75. This variant is expected to result in nonsense mediated decay, truncation, or a dysfunctional protein product. This variant is rare in the general population with a frequency below the threshold expected for the associated phenotype(s). This variant has been observed in one or more individuals affected with the associated recessive disease, as either homozygous or compound heterozygous with a second variant (PMID: 21880526). Given the available evidence, this variant is classified as Pathogenic.

Labcorp Genetics (formerly Invitae), Labcorp
Classification: Pathogenic for Glycogen storage disease, type V. Last evaluated: 2022-11-06. Review status: criteria provided, single submitter. Criteria: Invitae Variant Classification Sherloc (09022015). Collection method: clinical testing. Allele origin: germline.
Comment: ClinVar contains an entry for this variant (Variation ID: 1070313). This sequence change creates a premature translational stop signal (p.Tyr75*) in the PYGM gene. It is expected to result in an absent or disrupted protein product. Loss-of-function variants in PYGM are known to be pathogenic (PMID: 8316268, 16786513). This variant is present in population databases (rs773361937, gnomAD 0.002%). This premature translational stop signal has been observed in individual(s) with clinical features of McArdle disease (PMID: 21880526). For these reasons, this variant has been classified as Pathogenic.

Women's Health and Genetics/Laboratory Corporation of America, LabCorp
Classification: Pathogenic for Glycogen storage disease, type V. Last evaluated: 2022-11-03. Review status: criteria provided, single submitter. Criteria: LabCorp Variant Classification Summary - May 2015. Collection method: clinical testing. Allele origin: germline.
Comment: Variant summary: PYGM c.225C>A (p.Tyr75X) results in a premature termination codon, predicted to cause a truncation of the encoded protein or absence of the protein due to nonsense mediated decay, which are commonly known mechanisms for disease. At least one truncation downstream of this position has been classified as pathogenic by our laboratory. The variant allele was found at a frequency of 4e-06 in 250772 control chromosomes (gnomAD). c.225C>A has been reported in the literature in the compound heterozygous state together with a pathogenic variant in an individual affected with Glycogen Storage Disease, Type V (McArdle disease)(Wu_2011). Myophosphorylase activity in skeletal muscle from this patient, quantitated by glycolytic enzyme assay, was severely reduced (<1%) compared to normal, indicating the variant likely has a negative imact on protein function (Wu_2011). Two clinical diagnostic laboratories have submitted clinical-significance assessments for this variant to ClinVar after 2014 without evidence for independent evaluation and both classified the variant as pathogenic. Based on the evidence outlined above, the variant was classified as pathogenic.

Literature cited by the submitters: PubMed 21880526 (cited by 3 submitters); PubMed 8316268 (cited by Labcorp Genetics (formerly Invitae), Labcorp); PubMed 16786513 (cited by Labcorp Genetics (formerly Invitae), Labcorp).